The following is an entry in ClinVar:

NM_014762.4(DHCR24):c.*1965C>A

Gene: DHCR24 (24-dehydrocholesterol reductase; minus strand). Cytogenetic location: 1p32.3.
Variant type: single nucleotide variant.
Coding change: c.*1965C>A on transcript NM_014762.4 (MANE Select); 1965 bases downstream of the stop codon, C replaced by A.
Molecular consequence: 3 prime UTR variant.
Genome position (GRCh38, 1-based): chr1:54,850,268, G>T on the plus strand (C>A on the coding strand, the complement: DHCR24 is on the minus strand). VCF-style: chr1-54850268-G-T. GRCh37 (hg19) VCF-style: chr1-55315941-G-T.
Identifiers: ClinVar variation 297621 (VCV000297621.6), dbSNP rs11555500, ClinGen allele CA10611380.

ClinVar aggregate classification (germline): Benign. Review status: criteria provided, multiple submitters, no conflicts (2 of 4 stars). 2 submissions from 2 submitters: Benign (2). Last evaluated 2018-01-12.

Conditions:
Desmosterolosis. Identifiers: Orphanet 35107, MedGen C1865596, MONDO:0011217, OMIM 602398.

Allele frequency attached by ClinVar (database versions not stated): 1000 Genomes Project 30x 0.00953; 1000 Genomes Project 0.01018; gnomAD 0.02394; TOPMed 0.02518.

Submissions (2):

Illumina Laboratory Services, Illumina
Classification: Benign for Desmosterolosis. Last evaluated: 2018-01-12. Review status: criteria provided, single submitter. Criteria: ICSL Variant Classification Criteria 13 December 2019. Collection method: clinical testing. Allele origin: germline.
Comment: This variant was observed in the ICSL laboratory as part of a predisposition screen in an ostensibly healthy population. It had not been previously curated by ICSL or reported in the Human Gene Mutation Database (HGMD: prior to June 1st, 2018), and was therefore a candidate for classification through an automated scoring system. Utilizing variant allele frequency, disease prevalence and penetrance estimates, and inheritance mode, an automated score was calculated to assess if this variant is too frequent to cause the disease. Based on the score and internal cut-off values, a variant classified as benign is not then subjected to further curation. The score for this variant resulted in a classification of benign for this disease.

Breakthrough Genomics
Classification: Benign. Review status: criteria provided, single submitter. Criteria: ACMG Guidelines, 2015. Collection method: not provided. Allele origin: germline. Inheritance: Autosomal recessive inheritance. Affected: yes.